The following is an entry in ClinVar:

NM_000051.4(ATM):c.185+4T>A

Gene: ATM (ATM serine/threonine kinase; plus strand). Cytogenetic location: 11q22.3.
Variant type: single nucleotide variant.
Coding change: c.185+4T>A on transcript NM_000051.4 (MANE Select); 4 bases into the intron after coding-DNA position 185, T replaced by A.
Molecular consequence: intron variant.
Genome position (GRCh38, 1-based): chr11:108,227,892, T>A. VCF-style: chr11-108227892-T-A. GRCh37 (hg19) VCF-style: chr11-108098619-T-A.
Other names: c.185+4T>A (NM_001351834.2, NM_001351835.2, NM_001351836.2).
Identifiers: ClinVar variation 407697 (VCV000407697.13), dbSNP rs1060501685, ClinGen allele CA16613223.

ClinVar aggregate classification (germline): Conflicting classifications of pathogenicity. Review status: criteria provided, conflicting classifications (1 of 4 stars). 3 submissions from 3 submitters: Uncertain significance (2); Likely benign (1). Last evaluated 2025-11-17.

Conditions:
Hereditary cancer-predisposing syndrome. Also called: Hereditary neoplastic syndrome; Neoplastic Syndromes, Hereditary; Tumor predisposition; Hereditary Cancer Syndrome. Identifiers: Orphanet 140162, MedGen C0027672, MeSH D009386, MONDO:0015356.
Familial cancer of breast. Also called: Hereditary breast cancer; hereditary breast carcinoma; BREAST CANCER, FAMILIAL. Identifiers: Orphanet 227535, MedGen C0346153, MONDO:0016419, OMIM 114480. Disease mechanism: loss of function.
Ataxia-telangiectasia syndrome (AT). Also called: Ataxia telangiectasia (A-T); LOUIS-BAR SYNDROME; Cerebello-oculocutaneous telangiectasia; Immunodeficiency with ataxia telangiectasia; Ataxia-telangiectasia, complementation group D; AT, COMPLEMENTATION GROUP C. Identifiers: Orphanet 100, MedGen C0004135, MONDO:0008840, OMIM 208900.

Allele frequency attached by ClinVar (database versions not stated): TOPMed below 0.00001; gnomAD 0.00001.
gnomAD v4.1: 1 of 1,601,168 alleles (0.000062%); highest among the groups gnomAD compares: Non-Finnish European, 0.000085%; no homozygotes.

Submissions (3):

Labcorp Genetics (formerly Invitae), Labcorp
Classification: Uncertain significance for Ataxia-telangiectasia syndrome. Last evaluated: 2025-11-17. Review status: criteria provided, single submitter. Criteria: Invitae Variant Classification Sherloc (09022015). Collection method: clinical testing. Allele origin: germline.
Comment: This sequence change falls in intron 3 of the ATM gene. It does not directly change the encoded amino acid sequence of the ATM protein. It affects a nucleotide within the consensus splice site. This variant is not present in population databases (gnomAD no frequency). This variant has not been reported in the literature in individuals affected with ATM-related conditions. ClinVar contains an entry for this variant (Variation ID: 407697). Variants that disrupt the consensus splice site are a relatively common cause of aberrant splicing (PMID: 17576681, 9536098). Algorithms developed to predict the effect of sequence changes on RNA splicing suggest that this variant is not likely to affect RNA splicing. In summary, the available evidence is currently insufficient to determine the role of this variant in disease. Therefore, it has been classified as a Variant of Uncertain Significance.

Ambry Genetics
Classification: Uncertain significance for Hereditary cancer-predisposing syndrome. Last evaluated: 2024-12-22. Review status: criteria provided, single submitter. Criteria: Ambry Variant Classification Scheme 2023. Collection method: clinical testing. Allele origin: germline.
Comment: The c.185+4T>A intronic variant results from a T to A substitution 4 nucleotides after coding exon 2 in the ATM gene. This nucleotide position is not well conserved in available vertebrate species. In silico splice site analysis predicts that this alteration will not have any significant effect on splicing; however, direct evidence is insufficient at this time (Ambry internal data). Based on the available evidence, the clinical significance of this variant remains unclear.

Myriad Genetics, Inc.
Classification: Likely benign for Familial cancer of breast. Last evaluated: 2024-04-17. Review status: criteria provided, single submitter. Criteria: Myriad Autosomal Dominant, Autosomal Recessive and X-Linked Classification Criteria (2023). Collection method: clinical testing. Allele origin: unknown.
Comment: This variant is considered likely benign. This variant is intronic and is not expected to impact mRNA splicing.

Literature cited by the submitters: PubMed 17576681 (cited by Labcorp Genetics (formerly Invitae), Labcorp); PubMed 9536098 (cited by Labcorp Genetics (formerly Invitae), Labcorp).